The following is an entry in ClinVar:

NM_133497.4(KCNV2):c.1357-6C>G

Gene: KCNV2 (potassium voltage-gated channel modifier subfamily V member 2; plus strand). Cytogenetic location: 9p24.2.
Variant type: single nucleotide variant.
Coding change: c.1357-6C>G on transcript NM_133497.4 (MANE Select); 6 bases into the intron before coding-DNA position 1357, C replaced by G.
Molecular consequence: intron variant.
Genome position (GRCh38, 1-based): chr9:2,729,440, C>G. VCF-style: chr9-2729440-C-G. GRCh37 (hg19) VCF-style: chr9-2729440-C-G.
Other names: c.1357-6C>G (NM_133497.3).
Identifiers: ClinVar variation 1628591 (VCV001628591.9), dbSNP rs776920442, ClinGen allele CA4965900.
Genomic context (GRCh38, chr9:2,729,440, plus strand): 5'-CTCTCCCTTTCTTCTCCTCCCCGATCTTAGTGCTAACAATTCCATCCTGCTTTCCTTCCT[C>G]TACAGGTGAGCATCTCCACCGTGGGCTACGGAGACATGTACCCAGAGACCCACCTGGGCA-3'

ClinVar aggregate classification (germline): Likely benign. Review status: criteria provided, multiple submitters, no conflicts (2 of 4 stars). 2 submissions from 2 submitters: Likely benign (2). Last evaluated 2026-01-29.

Conditions:
KCNV2-related disorder. Also called: KCNV2-related condition.

Allele frequency attached by ClinVar (database versions not stated): gnomAD exomes 0.00001; ExAC 0.00002; gnomAD 0.00002; TOPMed 0.00002.
gnomAD v4.1: 11 of 1,613,148 alleles (0.00068%); highest among the groups gnomAD compares: Non-Finnish European, 0.00093%; no homozygotes.

Submissions (2):

PreventionGenetics, part of Exact Sciences
Classification: Likely benign for KCNV2-related condition. Last evaluated: 2026-01-29. Review status: criteria provided, single submitter. Criteria: ACMG Guidelines, 2015. Collection method: clinical testing. Allele origin: germline.
Comment: This variant is classified as likely benign based on ACMG/AMP sequence variant interpretation guidelines (Richards et al. 2015 PMID: 25741868, with internal and published modifications).

Labcorp Genetics (formerly Invitae), Labcorp
Classification: Likely benign. Last evaluated: 2024-09-29. Review status: criteria provided, single submitter. Criteria: Invitae Variant Classification Sherloc (09022015). Collection method: clinical testing. Allele origin: germline.